The following is an entry in ClinVar:

ClinVar aggregate classification (germline): Pathogenic (1 of 4 stars; one submission).

Conditions:
Primary ciliary dyskinesia 23 (CILD23). Also called: CILIARY DYSKINESIA, PRIMARY, 23, WITH OR WITHOUT SITUS INVERSUS. Identifiers: Orphanet 244, MedGen C3809548, MONDO:0014193, OMIM 615451.

Submission:

Juno Genomics, Hangzhou Juno Genomics, Inc
Classification: Pathogenic for Primary ciliary dyskinesia 23. Review status: criteria provided, single submitter. Criteria: ACMG Guidelines, 2015. Collection method: clinical testing. Allele origin: germline.
Comment: Absent from controls (or at extremely low frequency if recessive) in Genome Aggregation Database.;Null variant in a gene where loss of function (LOF) is a known mechanism of disease.;For recessive disorders, detected in trans with a pathogenic variant.

NM_018076.5(ODAD2):c.1489del (p.Glu497fs)

Gene: ODAD2 (outer dynein arm docking complex subunit 2; minus strand). Cytogenetic location: 10p12.1.
Variant type: Deletion.
Coding change: c.1489del on transcript NM_018076.5 (MANE Select); coding-DNA position 1489, one base deleted (G; older notation c.1489delG).
Protein change: p.Glu497fs; shifts the reading frame from glutamic acid 497.
Molecular consequence: frameshift variant.
Genome position (GRCh38, 1-based): chr10:27,944,860, C deleted on the plus strand (G on the coding strand, the reverse complement: ODAD2 is on the minus strand); the first of 2 consecutive C bases (chr10:27,944,860-27,944,861); deleting either gives the same sequence. VCF-style (leftmost placement, unchanged base first): chr10-27944859-TC-T. GRCh37 (hg19) VCF-style: chr10-28233788-TC-T.
Other names: c.1489del, p.Glu497fs (NM_001290020.2); c.64del, p.Glu22fs (NM_001290021.2); c.565del, p.Glu189fs (NM_001312689.2); short protein forms E22fs, E497fs, E189fs.
Identifiers: ClinVar variation 5007709 (VCV005007709.2).